The following is an entry in ClinVar:

ClinVar aggregate classification (germline): Likely pathogenic (1 of 4 stars; one submission).

Submission:

GeneDx
Classification: Likely pathogenic. Last evaluated: 2018-08-10. Review status: criteria provided, single submitter. Criteria: GeneDx Variant Classification (06012015). Collection method: clinical testing. Allele origin: germline. Affected: yes.
Comment: The c.4232_4233delGA pathogenic variant in the TRIOBP gene causes a frameshift starting with codon Arginine 1411, changes this amino acid to a Threonine residue and creates a premature Stop codon at position 30 of the new reading frame, denoted p.Arg1411ThrfsX30. This pathogenic variant is predicted to cause loss of normal protein function either through protein truncation or nonsense-mediated mRNA decay. Although this pathogenic variant has not been previously reported to our knowledge, we consider this to be a likely pathogenic variant.

NM_001039141.3(TRIOBP):c.4232_4233del (p.Arg1411fs)

Gene: TRIOBP (TRIO and F-actin binding protein; plus strand). Cytogenetic location: 22q13.1.
Variant type: Microsatellite.
Coding change: c.4232_4233del on transcript NM_001039141.3 (MANE Select); coding-DNA positions 4232 to 4233, 2 bases deleted (GA; older notation c.4232_4233delGA).
Protein change: p.Arg1411fs; shifts the reading frame from arginine 1411.
Molecular consequence: frameshift variant.
Genome position (GRCh38, 1-based): chr22:37,734,568-37,734,569, GA deleted; deleting any 2 consecutive bases within chr22:37,734,565-37,734,569 gives the same sequence; the c. name uses the placement nearest the transcript's 3' end. VCF-style (leftmost placement, unchanged base first): chr22-37734564-CAG-C. GRCh37 (hg19) VCF-style: chr22-38130571-CAG-C.
Other names: short protein forms R1411fs.
Identifiers: ClinVar variation 817741 (VCV000817741.1), dbSNP rs1233777224, ClinGen allele CA639394674.